The following is an entry in ClinVar:

ClinVar aggregate classification (germline): Benign (1 of 4 stars; one submission).

Submission:

Biesecker Lab/Clinical Genomics Section, National Institutes of Health
Classification: Benign. Last evaluated: 2013-06-24. Review status: criteria provided, single submitter. Criteria: Ng et al. (Circ Cardiovasc Genet. 2013). Collection method: research. Allele origin: unknown. Observed: 8 variant alleles. Study: ClinSeq.
Comment: The study set was not selected for affection status in relation to any cancer. Pathogenicity categories were based on literature curation. See Pubmed ID:23861362 for details.

Medical sequencing

NM_001267550.2(TTN):c.68457G>C (p.Met22819Ile)

Genes: TTN (titin; minus strand), TTN-AS1 (TTN antisense RNA 1; plus strand). Cytogenetic location: 2q31.2.
Variant type: single nucleotide variant.
Coding change: c.68457G>C on transcript NM_001267550.2 (MANE Select); coding-DNA position 68457, G replaced by C.
Protein change: p.Met22819Ile; replaces methionine 22819 with isoleucine.
Molecular consequence: missense variant.
Genome position (GRCh38, 1-based): chr2:178,578,058, C>G on the plus strand (G>C on the coding strand, the complement: TTN is on the minus strand). VCF-style: chr2-178578058-C-G. GRCh37 (hg19) VCF-style: chr2-179442785-C-G.
Other names: c.63534G>C, p.Met21178Ile (NM_001256850.1); c.41262G>C, p.Met13754Ile (NM_003319.4); c.60753G>C, p.Met20251Ile (NM_133378.4); c.41637G>C, p.Met13879Ile (NM_133432.3); c.41838G>C, p.Met13946Ile (NM_133437.4); short protein forms M20251I, M22819I, M13754I, M13946I, M13879I, M21178I.
Identifiers: ClinVar variation 192209 (VCV000192209.1), dbSNP rs786205339, ClinGen allele CA200091.
Genomic context (GRCh38, chr2:178,578,058, plus strand): 5'-CAGTGCCACAACAGGCTCTGATGGTAGGCTTGGCTTGCCCACACCTGCTAAATTGATTGC[C>G]ATAACTCGGAATTCATATTCAAGACCTTCAGTTAATCCTGTCACTTTAAAGTCTCTCATC-3'
Protein context (NP_001254479.2, residues 22809-22829): TEGLEYEFRV[Met22819Ile]AINLAGVGKP